The following is an entry in ClinVar:

NM_001267550.2(TTN):c.37446C>G (p.Pro12482=)

Gene: TTN (titin; minus strand). Cytogenetic location: 2q31.2.
Variant type: single nucleotide variant.
Coding change: c.37446C>G on transcript NM_001267550.2 (MANE Select); coding-DNA position 37446, C replaced by G.
Protein change: p.Pro12482=; no amino-acid change (proline 12482 retained).
Molecular consequence: synonymous variant. On other transcripts: intron variant (3).
Genome position (GRCh38, 1-based): chr2:178,659,012, G>C on the plus strand (C>G on the coding strand, the complement: TTN is on the minus strand). VCF-style: chr2-178659012-G-C. GRCh37 (hg19) VCF-style: chr2-179523739-G-C.
Other names: c.34515C>G, p.Pro11505= (NM_001256850.1); c.31734C>G, p.Pro10578= (NM_133378.4); c.13283-16695C>G (NM_003319.4); c.13859-16695C>G (NM_133437.4); c.13658-16695C>G (NM_133432.3).
Identifiers: ClinVar variation 700173 (VCV000700173.36), dbSNP rs1434836109, ClinGen allele CA430114094.

ClinVar aggregate classification (germline): Likely benign. Review status: criteria provided, multiple submitters, no conflicts (2 of 4 stars). 4 submissions from 4 submitters: Likely benign (4). Last evaluated 2024-10-03.

Conditions:
Autosomal recessive limb-girdle muscular dystrophy type 2J (LGMDR10). Also called: Limb-girdle muscular dystrophy, type 2J; MUSCULAR DYSTROPHY, LIMB-GIRDLE, AUTOSOMAL RECESSIVE 10. Identifiers: Orphanet 140922, MedGen C1837342, MONDO:0012127, OMIM 608807.
Dilated cardiomyopathy 1G (CMD1G). Identifiers: Orphanet 154, MedGen C1858763, MONDO:0011400, OMIM 604145.

Allele frequency attached by ClinVar (database versions not stated): gnomAD exomes 0.00006.

Submissions (4):

Blueprint Genetics
Classification: Likely benign. Last evaluated: 2024-10-03. Review status: criteria provided, single submitter. Criteria: ACMG Guidelines, 2015. Collection method: clinical testing. Allele origin: germline.

CeGaT Center for Human Genetics Tuebingen
Classification: Likely benign. Last evaluated: 2024-02-01. Review status: criteria provided, single submitter. Criteria: CeGaT Center For Human Genetics Tuebingen Variant Classification Criteria Version 2. Collection method: clinical testing. Allele origin: germline. Affected: yes. Observed: 1 variant allele.
Comment: TTN: BP4, BP7

Labcorp Genetics (formerly Invitae), Labcorp
Classification: Likely benign for Dilated cardiomyopathy 1G; Autosomal recessive limb-girdle muscular dystrophy type 2J. Last evaluated: 2022-02-03. Review status: criteria provided, single submitter. Criteria: Invitae Variant Classification Sherloc (09022015). Collection method: clinical testing. Allele origin: germline.

GeneDx
Classification: Likely benign. Last evaluated: 2018-10-25. Review status: criteria provided, single submitter. Criteria: GeneDx Variant Classification Process June 2021. Collection method: clinical testing. Allele origin: germline. Affected: yes.